The following is an entry in ClinVar:

NM_000535.7(PMS2):c.946C>T (p.His316Tyr)

Gene: PMS2 (PMS1 homolog 2, mismatch repair system component; minus strand). Cytogenetic location: 7p22.1.
Variant type: single nucleotide variant.
Coding change: c.946C>T on transcript NM_000535.7 (MANE Select); coding-DNA position 946, C replaced by T.
Protein change: p.His316Tyr; replaces histidine 316 with tyrosine.
Molecular consequence: missense variant. On other transcripts: non-coding transcript variant (1).
Genome position (GRCh38, 1-based): chr7:5,992,015, G>A on the plus strand (C>T on the coding strand, the complement: PMS2 is on the minus strand). VCF-style: chr7-5992015-G-A. GRCh37 (hg19) VCF-style: chr7-6031646-G-A.
Other names: c.946C>T (NM_000535.5); c.541C>T, p.His181Tyr (NM_001322003.2, NM_001322004.2, NM_001322005.2 and 2 more transcripts); c.946C>T, p.His316Tyr (NM_001322006.2, NM_001322014.2); c.628C>T, p.His210Tyr (NM_001322007.2, NM_001322008.2); c.13C>T, p.His5Tyr (NM_001322011.2, NM_001322012.2); c.373C>T, p.His125Tyr (NM_001322013.2); c.637C>T, p.His213Tyr (NM_001322015.2); short protein forms H181Y, H210Y, H125Y, H316Y, H5Y, H213Y.
Identifiers: ClinVar variation 1407387 (VCV001407387.10), dbSNP rs2128755632, ClinGen allele CA366743141.

ClinVar aggregate classification (germline): Uncertain significance. Review status: criteria provided, multiple submitters, no conflicts (2 of 4 stars). 2 submissions from 2 submitters: Uncertain significance (2). Last evaluated 2024-02-22.

Conditions:
Hereditary cancer-predisposing syndrome. Also called: Hereditary neoplastic syndrome; Hereditary Cancer Syndrome; Neoplastic Syndromes, Hereditary; Tumor predisposition. Identifiers: Orphanet 140162, MedGen C0027672, MeSH D009386, MONDO:0015356.
Hereditary nonpolyposis colorectal neoplasms. Identifiers: MedGen C0009405, MeSH D003123.

Submissions (2):

Ambry Genetics
Classification: Uncertain significance for Hereditary cancer-predisposing syndrome. Last evaluated: 2024-02-22. Review status: criteria provided, single submitter. Criteria: Ambry Variant Classification Scheme 2023. Collection method: clinical testing. Allele origin: germline.
Comment: The p.H316Y variant (also known as c.946C>T), located in coding exon 9 of the PMS2 gene, results from a C to T substitution at nucleotide position 946. The histidine at codon 316 is replaced by tyrosine, an amino acid with similar properties. This amino acid position is conserved. In addition, the in silico prediction for this alteration is inconclusive. Based on the available evidence, the clinical significance of this alteration remains unclear.

Labcorp Genetics (formerly Invitae), Labcorp
Classification: Uncertain significance for Hereditary nonpolyposis colorectal neoplasms. Last evaluated: 2022-05-24. Review status: criteria provided, single submitter. Criteria: Invitae Variant Classification Sherloc (09022015). Collection method: clinical testing. Allele origin: germline.
Comment: This variant has not been reported in the literature in individuals affected with PMS2-related conditions. This variant is not present in population databases (gnomAD no frequency). This sequence change replaces histidine, which is basic and polar, with tyrosine, which is neutral and polar, at codon 316 of the PMS2 protein (p.His316Tyr). Advanced modeling of protein sequence and biophysical properties (such as structural, functional, and spatial information, amino acid conservation, physicochemical variation, residue mobility, and thermodynamic stability) performed at Invitae indicates that this missense variant is not expected to disrupt PMS2 protein function. In summary, the available evidence is currently insufficient to determine the role of this variant in disease. Therefore, it has been classified as a Variant of Uncertain Significance.